The following is an entry in ClinVar:

NM_000141.5(FGFR2):c.-74G>A

Gene: FGFR2 (fibroblast growth factor receptor 2; minus strand). Cytogenetic location: 10q26.13.
Variant type: single nucleotide variant.
Coding change: c.-74G>A on transcript NM_000141.5 (MANE Select); 74 bases upstream of the start codon, G replaced by A.
Molecular consequence: 5 prime UTR variant. On other transcripts: non-coding transcript variant (1).
Genome position (GRCh38, 1-based): chr10:121,593,891, C>T on the plus strand (G>A on the coding strand, the complement: FGFR2 is on the minus strand). VCF-style: chr10-121593891-C-T. GRCh37 (hg19) VCF-style: chr10-123353405-C-T.
Other names: c.-74G>A (NM_001144913.1, NM_001144914.1, NM_001144915.2 and 7 more transcripts).
Identifiers: ClinVar variation 299012 (VCV000299012.6), dbSNP rs4647922, ClinGen allele CA5721277.

ClinVar aggregate classification (germline): Benign/Likely benign. Review status: criteria provided, multiple submitters, no conflicts (2 of 4 stars). 6 submissions from 2 submitters: Benign (4); Likely benign (2). Last evaluated 2018-01-13.

Conditions:
Beare-Stevenson cutis gyrata syndrome (BSTVS). Identifiers: Orphanet 1555, MedGen C1852406, MONDO:0007412, OMIM 123790.
Crouzon syndrome. Also called: CRANIOFACIAL DYSOSTOSIS, TYPE I; Craniofacial dysostosis; Craniofacial dysostosis type 1; Crouzon craniofacial dysostosis; Crouzon disease. Identifiers: Orphanet 207, MedGen C0010273, MeSH D003394, MONDO:0007405, OMIM 123500, HP:0004439.
Saethre-Chotzen syndrome (SCS). Also called: ACROCEPHALY, SKULL ASYMMETRY, AND MILD SYNDACTYLY; ACS III; CHOTZEN SYNDROME. Identifiers: Orphanet 794, MedGen C0175699, MONDO:0007042, OMIM 101400.
Craniosynostosis syndrome. Also called: Craniosynostosis. Identifiers: Orphanet 1531, MedGen C0010278, MeSH D003398, MONDO:0015469, HP:0001363.
Isolated Coronal Synostosis. Identifiers: MedGen CN043619.

Allele frequency attached by ClinVar (database versions not stated): 1000 Genomes Project 30x 0.00187; 1000 Genomes Project 0.00220; gnomAD 0.00294 and 0.00306; TOPMed 0.00333; gnomAD exomes 0.00357 and 0.00431; ExAC 0.00444.
gnomAD v4.1: 5,754 of 1,378,432 alleles (0.42%); highest among the groups gnomAD compares: Middle Eastern, 1.6%; 26 homozygotes.

Submissions (6):

Illumina Laboratory Services, Illumina
Classification: Benign for Beare-Stevenson cutis gyrata syndrome. Last evaluated: 2018-01-13. Review status: criteria provided, single submitter. Criteria: ICSL Variant Classification Criteria 13 December 2019. Collection method: clinical testing. Allele origin: germline.
Comment: This variant was observed in the ICSL laboratory as part of a predisposition screen in an ostensibly healthy population. It had not been previously curated by ICSL or reported in the Human Gene Mutation Database (HGMD: prior to June 1st, 2018), and was therefore a candidate for classification through an automated scoring system. Utilizing variant allele frequency, disease prevalence and penetrance estimates, and inheritance mode, an automated score was calculated to assess if this variant is too frequent to cause the disease. Based on the score and internal cut-off values, a variant classified as benign is not then subjected to further curation. The score for this variant resulted in a classification of benign for this disease.

Illumina Laboratory Services, Illumina
Classification: Benign for Saethre-Chotzen syndrome. Last evaluated: 2018-01-13. Review status: criteria provided, single submitter. Criteria: ICSL Variant Classification Criteria 13 December 2019. Collection method: clinical testing. Allele origin: germline.
Comment: the same text as in the submission from Illumina Laboratory Services, Illumina above.

Illumina Laboratory Services, Illumina
Classification: Benign for Craniosynostosis. Last evaluated: 2018-01-13. Review status: criteria provided, single submitter. Criteria: ICSL Variant Classification Criteria 13 December 2019. Collection method: clinical testing. Allele origin: germline.
Comment: the same text as in the submission from Illumina Laboratory Services, Illumina above.

Illumina Laboratory Services, Illumina
Classification: Benign for Crouzon syndrome. Last evaluated: 2018-01-13. Review status: criteria provided, single submitter. Criteria: ICSL Variant Classification Criteria 13 December 2019. Collection method: clinical testing. Allele origin: germline.
Comment: the same text as in the submission from Illumina Laboratory Services, Illumina above.

Illumina Laboratory Services, Illumina
Classification: Likely benign for Isolated coronal synostosis. Last evaluated: 2018-01-13. Review status: criteria provided, single submitter. Criteria: ICSL Variant Classification Criteria 13 December 2019. Collection method: clinical testing. Allele origin: germline.
Comment: This variant was observed in the ICSL laboratory as part of a predisposition screen in an ostensibly healthy population. It had not been previously curated by ICSL or reported in the Human Gene Mutation Database (HGMD: prior to June 1st, 2018), and was therefore a candidate for classification through an automated scoring system. Utilizing variant allele frequency, disease prevalence and penetrance estimates, and inheritance mode, an automated score was calculated to assess if this variant is too frequent to cause the disease. Based on the score and internal cut-off values, a variant classified as likely benign is not then subjected to further curation. The score for this variant resulted in a classification of likely benign for this disease.

Breakthrough Genomics
Classification: Likely benign. Review status: criteria provided, single submitter. Criteria: ACMG Guidelines, 2015. Collection method: not provided. Allele origin: germline. Inheritance: Autosomal dominant inheritance. Affected: yes.